The following is an entry in ClinVar:

ClinVar aggregate classification (germline): Likely benign. Review status: criteria provided, multiple submitters, no conflicts (2 of 4 stars). 4 submissions from 4 submitters: Likely benign (3). 1 of the submissions does not count toward it. Last evaluated 2026-02-01.

Conditions:
NLRP2-related disorder. Also called: NLRP2-related condition.

Allele frequency attached by ClinVar (database versions not stated): 1000 Genomes Project 0.00140; 1000 Genomes Project 30x 0.00156; gnomAD 0.00492 and 0.00506; gnomAD exomes 0.00506; TOPMed 0.00511; ExAC 0.00515; ESP Exome Variant Server 0.00515.
gnomAD v4.1: 9,109 of 1,614,114 alleles (0.56%); highest among the groups gnomAD compares: Middle Eastern, 1.2%; 42 homozygotes.

Submissions (9):

CeGaT Center for Human Genetics Tuebingen
Classification: Likely benign. Last evaluated: 2026-02-01. Review status: criteria provided, single submitter. Criteria: CeGaT Center For Human Genetics Tuebingen Variant Classification Criteria Version 2. Collection method: clinical testing. Allele origin: germline. Affected: yes. Observed: 7 variant alleles.
Comment: NLRP2: BP4, BS2

Labcorp Genetics (formerly Invitae), Labcorp
Classification: Likely benign. Last evaluated: 2017-12-08. Review status: criteria provided, single submitter. Criteria: Invitae Variant Classification Sherloc (09022015). Collection method: clinical testing. Allele origin: germline.

Breakthrough Genomics
Classification: Likely benign. Review status: criteria provided, single submitter. Criteria: ACMG Guidelines, 2015. Collection method: not provided. Allele origin: germline. Inheritance: Unknown mechanism. Affected: yes.

PreventionGenetics, part of Exact Sciences
Classification: Benign for NLRP2-related condition. Last evaluated: 2019-02-27. Review status: no assertion criteria provided. Collection method: clinical testing. Allele origin: germline. Not counted in ClinVar's aggregate classification.
Comment: This variant is classified as benign based on ACMG/AMP sequence variant interpretation guidelines (Richards et al. 2015 PMID: 25741868, with internal and published modifications).

Dr. Peter K. Rogan Lab, Western University
No classification provided (evidence only). Condition: Clear cell carcinoma of kidney. Review status: no classification provided. Collection method: in vitro. Allele origin: not applicable. Functional consequence: retained intron. Not counted in ClinVar's aggregate classification.

Dr. Peter K. Rogan Lab, Western University
No classification provided (evidence only). Condition: Lung cancer. Review status: no classification provided. Collection method: in vitro. Allele origin: not applicable. Functional consequence: retained intron. Not counted in ClinVar's aggregate classification.

Dr. Peter K. Rogan Lab, Western University
No classification provided (evidence only). Condition: Acute myeloid leukemia. Review status: no classification provided. Collection method: in vitro. Allele origin: not applicable. Functional consequence: retained intron. Not counted in ClinVar's aggregate classification.

Dr. Peter K. Rogan Lab, Western University
No classification provided (evidence only). Condition: Acute myeloid leukemia. Review status: no classification provided. Collection method: in vitro. Allele origin: not applicable. Functional consequence: retained intron. Not counted in ClinVar's aggregate classification.

Dr. Peter K. Rogan Lab, Western University
No classification provided (evidence only). Condition: Gastric cancer. Review status: no classification provided. Collection method: in vitro. Allele origin: not applicable. Functional consequence: retained intron. Not counted in ClinVar's aggregate classification.

NM_017852.5(NLRP2):c.1060A>G (p.Ile354Val)

Gene: NLRP2 (NLR family pyrin domain containing 2; plus strand). Cytogenetic location: 19q13.42.
Variant type: single nucleotide variant.
Coding change: c.1060A>G on transcript NM_017852.5 (MANE Select); coding-DNA position 1060, A replaced by G.
Protein change: p.Ile354Val; replaces isoleucine 354 with valine.
Molecular consequence: missense variant. On other transcripts: non-coding transcript variant (1).
Genome position (GRCh38, 1-based): chr19:54,982,758, A>G. VCF-style: chr19-54982758-A-G. GRCh37 (hg19) VCF-style: chr19-55494126-A-G.
Other names: NC_000019.9:g.55494126A>G; c.1060A>G (NM_001174081.2); c.1060A>G, p.Ile354Val (NM_001174081.3); c.994A>G, p.Ile332Val (NM_001174082.3); c.991A>G, p.Ile331Val (NM_001174083.2); c.1051A>G, p.Ile351Val (NM_001348003.2); short protein forms I331V, I354V, I332V, I351V.
Identifiers: ClinVar variation 774963 (VCV000774963.36), dbSNP rs61735077, ClinGen allele CA310103642.
Genomic context (GRCh38, chr19:54,982,758, plus strand): 5'-GTCACCACGCGGCCCAGGGCCCTGAGGGACCTCCGGATCCTGGCGGAGGAGCCGATCTAC[A>G]TAAGGGTGGAGGGCTTCCTGGAGGAGGACAGGAGGGCCTATTTCCTGAGACACTTTGGAG-3'
Protein context (NP_060322.1, residues 344-364): LRILAEEPIY[Ile354Val]RVEGFLEEDR